The following is an entry in ClinVar:

NM_001256627.2(BRSK2):c.537C>T (p.Pro179=)

Gene: BRSK2 (BR serine/threonine kinase 2; plus strand). Cytogenetic location: 11p15.5.
Variant type: single nucleotide variant.
Coding change: c.537C>T on transcript NM_001256627.2 (MANE Select); coding-DNA position 537, C replaced by T.
Protein change: p.Pro179=; no amino-acid change (proline 179 retained).
Molecular consequence: synonymous variant. On other transcripts: non-coding transcript variant (1).
Genome position (GRCh38, 1-based): chr11:1,443,112, C>T. VCF-style: chr11-1443112-C-T. GRCh37 (hg19) VCF-style: chr11-1464342-C-T.
Other names: c.537C>T, p.Pro179= (NM_001256629.2, NM_003957.4); c.675C>T, p.Pro225= (NM_001256630.1); c.357C>T, p.Pro119= (NM_001282218.2).
Identifiers: ClinVar variation 3239563 (VCV003239563.19), dbSNP rs1347479817.
Genomic context (GRCh38, chr11:1,443,112, plus strand): 5'-GGAGGGCCTGGCAGCGCCCGGAGCCCCGCCGCTGACCTCTGCCCTTGCCCGCAGGTCCCC[C>T]CACTACGCCTGCCCCGAGGTGATCCGGGTGAGTCAGCGCCGCCGCGTGCAGCTCTGTGGG-3'
Protein context (NP_001243556.1, residues 169-189): DSLLETSCGS[Pro179=]HYACPEVIRG

ClinVar aggregate classification (germline): Likely benign (1 of 4 stars; one submission).

Allele frequency attached by ClinVar (database versions not stated): gnomAD 0.00001; TOPMed 0.00001.

Submission:

CeGaT Center for Human Genetics Tuebingen
Classification: Likely benign. Last evaluated: 2024-05-01. Review status: criteria provided, single submitter. Criteria: CeGaT Center For Human Genetics Tuebingen Variant Classification Criteria Version 2. Collection method: clinical testing. Allele origin: germline. Affected: yes. Observed: 1 variant allele.
Comment: BRSK2: BP4, BP7